The following is an entry in ClinVar:

ClinVar aggregate classification (germline): Pathogenic (1 of 4 stars; one submission).

Conditions:
Inborn genetic diseases. Identifiers: MedGen C0950123, MeSH D030342.

Submission:

Ambry Genetics
Classification: Pathogenic for Inborn genetic diseases. Last evaluated: 2024-01-05. Review status: criteria provided, single submitter. Criteria: Ambry Variant Classification Scheme 2023. Collection method: clinical testing. Allele origin: germline.
Comment: The c.1832delC (p.P611Qfs*7) alteration, located in exon 25 (coding exon 25) of the COL4A5 gene, consists of a deletion of one nucleotide at position 1832, causing a translational frameshift with a predicted alternate stop codon after 7 amino acids. This alteration is expected to result in loss of function by premature protein truncation or nonsense-mediated mRNA decay. This variant was not reported in population-based cohorts in the Genome Aggregation Database (gnomAD). Based on the available evidence, this alteration is classified as pathogenic.

NM_033380.3(COL4A5):c.1832del (p.Pro611fs)

Gene: COL4A5 (collagen type IV alpha 5 chain; plus strand). Cytogenetic location: Xq22.3.
Variant type: Deletion.
Coding change: c.1832del on transcript NM_033380.3 (MANE Select); coding-DNA position 1832, one base deleted (C; older notation c.1832delC).
Protein change: p.Pro611fs; shifts the reading frame from proline 611.
Molecular consequence: frameshift variant.
Genome position (GRCh38, 1-based): chrX:108,598,754, C deleted; the last of 2 consecutive C bases (chrX:108,598,753-108,598,754); deleting either gives the same sequence. VCF-style (leftmost placement, unchanged base first): chrX-108598752-AC-A. GRCh37 (hg19) VCF-style: chrX-107841982-AC-A.
Other names: c.1832del, p.Pro611fs (NM_000495.5); short protein forms P611fs.
Identifiers: ClinVar variation 3147609 (VCV003147609.1), dbSNP rs2524314322, ClinGen allele CA2825002920.